The following is an entry in ClinVar:

NM_001130987.2(DYSF):c.605C>A (p.Ala202Glu)

Gene: DYSF (dysferlin; plus strand). Cytogenetic location: 2p13.2.
Variant type: single nucleotide variant.
Coding change: c.605C>A on transcript NM_001130987.2 (MANE Select); coding-DNA position 605, C replaced by A.
Protein change: p.Ala202Glu; replaces alanine 202 with glutamic acid.
Molecular consequence: missense variant.
Genome position (GRCh38, 1-based): chr2:71,513,767, C>A. VCF-style: chr2-71513767-C-A. GRCh37 (hg19) VCF-style: chr2-71740897-C-A.
Other names: NM_001130987.2(DYSF):c.605C>A; c.512C>A, p.Ala171Glu (NM_001130455.2, NM_001130983.2, NM_001130984.2 and 1 more transcripts); c.509C>A, p.Ala170Glu (NM_001130976.2, NM_001130977.2, NM_001130978.2 and 1 more transcripts); c.602C>A, p.Ala201Glu (NM_001130979.2, NM_001130980.2, NM_001130981.2); c.605C>A, p.Ala202Glu (NM_001130982.2, NM_001130985.2); short protein forms A170E, A202E, A201E, A171E.
Identifiers: ClinVar variation 94334 (VCV000094334.62), dbSNP rs34999029, ClinGen allele CA147766.

ClinVar aggregate classification (germline): Benign. Review status: reviewed by expert panel (3 of 4 stars). 16 submissions from 16 submitters: Benign (1). 15 of the submissions do not count toward it. Last evaluated 2025-01-08.

Conditions:
Autosomal recessive limb-girdle muscular dystrophy. Identifiers: Orphanet 102015, MedGen C2931907, MONDO:0015152.
Neuromuscular disease caused by qualitative or quantitative defects of dysferlin. Also called: Qualitative or quantitative defects of dysferlin; Dysferlinopathy. Identifiers: Orphanet 207073, MedGen C2931687, MONDO:0016145.
Autosomal recessive limb-girdle muscular dystrophy type 2B (LGMDR2). Also called: MUSCULAR DYSTROPHY, LIMB-GIRDLE, TYPE 3; Limb-Girdle Muscular Dystrophy Type 2B (LGMD2B); MUSCULAR DYSTROPHY, LIMB-GIRDLE, AUTOSOMAL RECESSIVE 2; Limb-girdle muscular dystrophy, type 2B. Identifiers: Orphanet 268, MedGen C1850889, MONDO:0009676, OMIM 253601.
Miyoshi muscular dystrophy 1 (MMD1). Identifiers: Orphanet 45448, MedGen C4551973, MONDO:0024545, OMIM 254130.

Allele frequency attached by ClinVar (database versions not stated): 1000 Genomes Project 0.00419; 1000 Genomes Project 30x 0.00453; ESP Exome Variant Server 0.01038; TOPMed 0.00913.
gnomAD v4.1: 19,609 of 1,614,130 alleles (1.2%); highest among the groups gnomAD compares: Middle Eastern, 2.4%; 143 homozygotes.

Submissions (16):

ClinGen Limb Girdle Muscular Dystrophy Variant Curation Expert Panel, ClinGen
Classification: Benign for Autosomal recessive limb-girdle muscular dystrophy. Last evaluated: 2025-01-08. Review status: reviewed by expert panel. Criteria: ClinGen LGMD VCEP ACMG Specifications DYSF V1.0.0. Collection method: curation. Allele origin: germline. Inheritance: Autosomal recessive inheritance.
Comment: The NM_003494.4: c.509C>A variant in DYSF, which is also known as NM_001130987.2: c.605C>A p.(Ala202Glu), is a missense variant predicted to cause substitution of alanine by glutamic acid at amino acid 170 (p.Ala170Glu). The filtering allele frequency of the variant is 0.01467 for European (non-Finnish) exome chromosomes in gnomAD v2.1.1 (the lower threshold of the 95% CI of 2546/251252), which is higher than the VCEP threshold of 0.003 (BA1). While this variant has been identified in individuals with LGMD (e.g., PMID: 16010686, 25135358), its frequency in control populations is high relative to disease prevalence, and additional potentially causative variants were either identified as well or their presence not comprehensively ruled out (PM3 not met). The SpliceAI score for this variant is 0, suggesting it does not impact splicing. However, the computational predictor REVEL gives a score of 0.22, which is above the LGMD VCEP threshold predicting a benign impact on DYSF function (≤0.1; BP4 not met). In summary, this variant meets the criteria to be classified as Benign for autosomal recessive limb girdle muscular dystrophy based on the ACMG/AMP criteria applied, as specified by the ClinGen LGMD VCEP (LGMD VCEP specifications version 1.0.0; 01/08/2025): BA1.

CeGaT Center for Human Genetics Tuebingen
Classification: Benign. Last evaluated: 2026-09-01. Review status: criteria provided, single submitter. Criteria: CeGaT Center For Human Genetics Tuebingen Variant Classification Criteria Version 2. Collection method: clinical testing. Allele origin: germline. Affected: yes. Observed: 41 variant alleles. Not counted in ClinVar's aggregate classification.
Comment: DYSF: BP4, BS1, BS2

Labcorp Genetics (formerly Invitae), Labcorp
Classification: Benign for Neuromuscular disease caused by qualitative or quantitative defects of dysferlin. Last evaluated: 2026-02-02. Review status: criteria provided, single submitter. Criteria: Invitae Variant Classification Sherloc (09022015). Collection method: clinical testing. Allele origin: germline. Not counted in ClinVar's aggregate classification.

Blueprint Genetics
Classification: Likely benign. Last evaluated: 2024-11-26. Review status: criteria provided, single submitter. Criteria: ACMG Guidelines, 2015. Collection method: clinical testing. Allele origin: germline. Not counted in ClinVar's aggregate classification.

Women's Health and Genetics/Laboratory Corporation of America, LabCorp
Classification: Likely benign. Last evaluated: 2022-02-18. Review status: criteria provided, single submitter. Criteria: LabCorp Variant Classification Summary - May 2015. Collection method: clinical testing. Allele origin: germline. Not counted in ClinVar's aggregate classification.

Genome-Nilou Lab
Classification: Likely benign for Miyoshi muscular dystrophy 1. Last evaluated: 2021-05-18. Review status: criteria provided, single submitter. Criteria: ACMG Guidelines, 2015. Collection method: clinical testing. Allele origin: germline. Affected: no. Not counted in ClinVar's aggregate classification.

Mayo Clinic Laboratories, Mayo Clinic
Classification: Benign. Last evaluated: 2018-04-06. Review status: criteria provided, single submitter. Criteria: ACMG Guidelines, 2015. Collection method: clinical testing. Allele origin: germline. Observed: 34 variant alleles. Not counted in ClinVar's aggregate classification.

GeneDx
Classification: Benign. Last evaluated: 2017-05-11. Review status: criteria provided, single submitter. Criteria: GeneDx Variant Classification (06012015). Collection method: clinical testing. Allele origin: germline. Affected: yes. Not counted in ClinVar's aggregate classification.
Comment: This variant is considered likely benign or benign based on one or more of the following criteria: it is a conservative change, it occurs at a poorly conserved position in the protein, it is predicted to be benign by multiple in silico algorithms, and/or has population frequency not consistent with disease.

Laboratory for Molecular Medicine, Mass General Brigham Personalized Medicine
Classification: Benign. Last evaluated: 2015-01-13. Review status: criteria provided, single submitter. Criteria: LMM Criteria. Collection method: clinical testing. Allele origin: germline. Observed: 1 variant allele. Not counted in ClinVar's aggregate classification.
Comment: p.Ala202Glu in exon 7 of DYSF: This variant is not expected to have clinical sig nificance because it has been identified in 1.5% (132/8600) of European American chromosomes from a broad population by the NHLBI Exome Sequencing Project (dbSNP rs34999029).

Eurofins Ntd Llc (ga)
Classification: Benign. Last evaluated: 2013-03-28. Review status: criteria provided, single submitter. Criteria: EGL Classification Definitions 2015. Collection method: clinical testing. Allele origin: germline. Observed: 3 variant alleles, 3 heterozygotes. Not counted in ClinVar's aggregate classification.

PreventionGenetics, part of Exact Sciences
Classification: Benign. Review status: criteria provided, single submitter. Criteria: ACMG Guidelines, 2015. Collection method: clinical testing. Allele origin: germline. Not counted in ClinVar's aggregate classification.

Natera, Inc.
Classification: Benign for Limb-girdle muscular dystrophy type 2B. Last evaluated: 2020-09-16. Review status: no assertion criteria provided. Collection method: clinical testing. Allele origin: germline. Not counted in ClinVar's aggregate classification.

Clinical Genetics, Academic Medical Center
Classification: Likely benign. Review status: no assertion criteria provided. Collection method: clinical testing. Allele origin: germline. Affected: yes. Study: VKGL Data-share Consensus. Not counted in ClinVar's aggregate classification.

Genetic Services Laboratory, University of Chicago
Classification: Likely benign for AllHighlyPenetrant. Review status: no assertion criteria provided. Collection method: clinical testing. Allele origin: germline. Inheritance: Autosomal recessive inheritance. Not counted in ClinVar's aggregate classification.
Comment: Likely benign based on allele frequency in 1000 Genomes Project or ESP global frequency and its presence in a patient with a rare or unrelated disease phenotype. NOT Sanger confirmed.

Genome Diagnostics Laboratory, University Medical Center Utrecht
Classification: Likely benign. Review status: no assertion criteria provided. Collection method: clinical testing. Allele origin: germline. Affected: yes. Study: VKGL Data-share Consensus. Not counted in ClinVar's aggregate classification.

Laboratory of Diagnostic Genome Analysis, Leiden University Medical Center (LUMC)
Classification: Likely benign. Review status: no assertion criteria provided. Collection method: clinical testing. Allele origin: germline. Affected: yes. Study: VKGL Data-share Consensus. Not counted in ClinVar's aggregate classification.